The following is an entry in ClinVar:

NM_014244.5(ADAMTS2):c.2617+128G>A

Gene: ADAMTS2 (ADAM metallopeptidase with thrombospondin type 1 motif 2; minus strand). Cytogenetic location: 5q35.3.
Variant type: single nucleotide variant.
Coding change: c.2617+128G>A on transcript NM_014244.5 (MANE Select); 128 bases into the intron after coding-DNA position 2617, G replaced by A.
Molecular consequence: intron variant.
Genome position (GRCh38, 1-based): chr5:179,127,831, C>T on the plus strand (G>A on the coding strand, the complement: ADAMTS2 is on the minus strand). VCF-style: chr5-179127831-C-T. GRCh37 (hg19) VCF-style: chr5-178554832-C-T.
Identifiers: ClinVar variation 679081 (VCV000679081.1), dbSNP rs73344606, ClinGen allele CA133031734.

ClinVar aggregate classification (germline): Likely benign (1 of 4 stars; one submission).

Allele frequency attached by ClinVar (database versions not stated): gnomAD exomes 0.00083; 1000 Genomes Project 0.00759; 1000 Genomes Project 30x 0.00859; gnomAD 0.00863 and 0.00928; TOPMed 0.00961.
gnomAD v4.1: 2,309 of 1,319,014 alleles (0.18%); highest among the groups gnomAD compares: African/African-American, 3%; 44 homozygotes.

Submission:

GeneDx
Classification: Likely benign. Last evaluated: 2018-06-14. Review status: criteria provided, single submitter. Criteria: GeneDx Variant Classification (06012015). Collection method: clinical testing. Allele origin: germline. Affected: yes.
Comment: This variant is considered likely benign or benign based on one or more of the following criteria: it is a conservative change, it occurs at a poorly conserved position in the protein, it is predicted to be benign by multiple in silico algorithms, and/or has population frequency not consistent with disease.